The following is an entry in ClinVar:

ClinVar aggregate classification (germline): Uncertain significance (1 of 4 stars; one submission).

Conditions:
Immunodeficiency 51 (IMD51). Also called: CANDIDIASIS, FAMILIAL, 5. Identifiers: Orphanet 1334, MedGen C4310803, MONDO:0013500, OMIM 613953.

Allele frequency attached by ClinVar (database versions not stated): gnomAD exomes 0.00002 and 0.00003; gnomAD 0.00003 and 0.00004; ExAC 0.00004; TOPMed 0.00006.

Submission:

Labcorp Genetics (formerly Invitae), Labcorp
Classification: Uncertain significance for Immunodeficiency 51. Last evaluated: 2019-08-23. Review status: criteria provided, single submitter. Criteria: Invitae Variant Classification Sherloc (09022015). Collection method: clinical testing. Allele origin: germline.
Comment: This sequence change replaces arginine with glutamine at codon 263 of the IL17RA protein (p.Arg263Gln). The arginine residue is moderately conserved and there is a small physicochemical difference between arginine and glutamine. This variant is present in population databases (rs772405373, ExAC 0.05%). This variant has not been reported in the literature in individuals with IL17RA-related conditions. Algorithms developed to predict the effect of missense changes on protein structure and function are either unavailable or do not agree on the potential impact of this missense change (SIFT: "Tolerated"; PolyPhen-2: "Possibly Damaging"; Align-GVGD: "Class C0"). In summary, the available evidence is currently insufficient to determine the role of this variant in disease. Therefore, it has been classified as a Variant of Uncertain Significance.

NM_014339.7(IL17RA):c.788G>A (p.Arg263Gln)

Gene: IL17RA (interleukin 17 receptor A; plus strand). Cytogenetic location: 22q11.1.
Variant type: single nucleotide variant.
Coding change: c.788G>A on transcript NM_014339.7 (MANE Select); coding-DNA position 788, G replaced by A.
Protein change: p.Arg263Gln; replaces arginine 263 with glutamine.
Molecular consequence: missense variant.
Genome position (GRCh38, 1-based): chr22:17,103,519, G>A. VCF-style: chr22-17103519-G-A. GRCh37 (hg19) VCF-style: chr22-17584409-G-A.
Other names: c.788G>A, p.Arg263Gln (NM_001289905.2); short protein forms R263Q.
Identifiers: ClinVar variation 935671 (VCV000935671.8), dbSNP rs772405373, ClinGen allele CA10086491.
Genomic context (GRCh38, chr22:17,103,519, plus strand): 5'-CAACTAGCCTTACCCATCCTCGCCTCTCTCCTCAGCCCAGACCAGAAGAGTTCCACCAGC[G>A]ATCCAACGTCACACTCACTCTACGCAACCTTAAAGGGTGCTGTCGCCACCAAGTGCAGGT-3'
Protein context (NP_055154.3, residues 253-273): PAPRPEEFHQ[Arg263Gln]SNVTLTLRNL